The following is an entry in ClinVar:

ClinVar aggregate classification (germline): Uncertain significance (1 of 4 stars; one submission).

Conditions:
Disseminated atypical mycobacterial infection. Identifiers: MedGen C0694566.

Submission:

Labcorp Genetics (formerly Invitae), Labcorp
Classification: Uncertain significance for Disseminated atypical mycobacterial infection. Last evaluated: 2023-09-21. Review status: criteria provided, single submitter. Criteria: Invitae Variant Classification Sherloc (09022015). Collection method: clinical testing. Allele origin: germline.
Comment: In summary, the available evidence is currently insufficient to determine the role of this variant in disease. Therefore, it has been classified as a Variant of Uncertain Significance. An algorithm developed to predict the effect of missense changes on protein structure and function (PolyPhen-2) suggests that this variant is likely to be disruptive. This variant has not been reported in the literature in individuals affected with IFNGR1-related conditions. This variant is not present in population databases (gnomAD no frequency). This sequence change replaces threonine, which is neutral and polar, with isoleucine, which is neutral and non-polar, at codon 414 of the IFNGR1 protein (p.Thr414Ile).

NM_000416.3(IFNGR1):c.1241C>T (p.Thr414Ile)

Gene: IFNGR1 (interferon gamma receptor 1; minus strand). Cytogenetic location: 6q23.3.
Variant type: single nucleotide variant.
Coding change: c.1241C>T on transcript NM_000416.3 (MANE Select); coding-DNA position 1241, C replaced by T.
Protein change: p.Thr414Ile; replaces threonine 414 with isoleucine.
Molecular consequence: missense variant.
Genome position (GRCh38, 1-based): chr6:137,198,260, G>A on the plus strand (C>T on the coding strand, the complement: IFNGR1 is on the minus strand). VCF-style: chr6-137198260-G-A. GRCh37 (hg19) VCF-style: chr6-137519397-G-A.
Other names: c.1211C>T, p.Thr404Ile (NM_001363526.1); c.1118C>T, p.Thr373Ile (NM_001363527.1); short protein forms T414I, T404I, T373I.
Identifiers: ClinVar variation 2758575 (VCV002758575.3), dbSNP rs2114442238, ClinGen allele CA365772409.
Genomic context (GRCh38, chr6:137,198,260, plus strand): 5'-TTATTTGGGGGAAATTCTGAGTCAGATAAGGAGCTATGTGATTCCAGACAGCTGGAATCA[G>A]TATCAAAACCATTTCTGGAGTGATCACTCTCAGAACAATTTCTGGAGTGATACGAGTTTA-3'
Protein context (NP_000407.1, residues 404-424): ESDHSRNGFD[Thr414Ile]DSSCLESHSS